The following is an entry in ClinVar:

NM_000551.4(VHL):c.340+795A>G

Genes: VHL (von Hippel-Lindau tumor suppressor; plus strand), LOC107303340 (3p25 von Hippel-Lindau tumor suppressor, E3 ubiquitin protein ligase Alu-mediated recombination region; plus strand). Cytogenetic location: 3p25.3.
Variant type: single nucleotide variant.
Coding change: c.340+795A>G on transcript NM_000551.4 (MANE Select); 795 bases into the intron after coding-DNA position 340, A replaced by G.
Molecular consequence: intron variant. On other transcripts: missense variant (1).
Genome position (GRCh38, 1-based): chr3:10,142,982, A>G. VCF-style: chr3-10142982-A-G. GRCh37 (hg19) VCF-style: chr3-10184666-A-G.
Other names: c.560A>G, p.Lys187Arg (NM_001354723.2); c.340+795A>G (NM_198156.3); short protein forms K187R.
Identifiers: ClinVar variation 1014800 (VCV001014800.10), dbSNP rs1696164115, ClinGen allele CA1345067554.
Genomic context (GRCh38, chr3:10,142,982, plus strand): 5'-CTGCTGGGAGATGGAGGGGTTGCGGTTGTGTGGTTTCAGTTAAGGAGCACTTCCCGGAGA[A>G]GGAAGAGAGCAGGATGGAGTAGGAACTAGCCAACCCTAGGTAAGAGGTTCTAGACATGCG-3'

ClinVar aggregate classification (germline): Uncertain significance (1 of 4 stars; one submission).

Conditions:
Chuvash polycythemia. Also called: POLYCYTHEMIA, VHL-DEPENDENT. Identifiers: Orphanet 238557, MedGen C1837915, MONDO:0009892, OMIM 263400.
Von Hippel-Lindau syndrome (VHLS). Also called: VHL syndrome; von Hippel–Lindau syndrome; Von Hippel-Lindau. Identifiers: Orphanet 892, MedGen C0019562, MONDO:0008667, OMIM 193300. Disease mechanism: loss of function.

Submission:

Labcorp Genetics (formerly Invitae), Labcorp
Classification: Uncertain significance for Von Hippel-Lindau syndrome; Chuvash polycythemia. Last evaluated: 2026-01-26. Review status: criteria provided, single submitter. Criteria: Invitae Variant Classification Sherloc (09022015). Collection method: clinical testing. Allele origin: germline.
Comment: This sequence change falls in intron 1 of the VHL gene. It is not expected to change the encoded amino acid sequence of the VHL protein. However, this sequence change falls within a cryptic exon in the VHL gene, known as exon E1’, which is naturally expressed at low levels in several human tissues (PMID: 29891534). This variant is not present in population databases (gnomAD no frequency). This variant has not been reported in the literature in individuals affected with VHL-related conditions. ClinVar contains an entry for this variant (Variation ID: 1014800). Algorithms developed to predict the effect of sequence changes on RNA splicing suggest that this variant is not likely to affect RNA splicing. In summary, the available evidence is currently insufficient to determine the role of this variant in disease. Therefore, it has been classified as a Variant of Uncertain Significance.

Literature cited by the submitters: PubMed 29891534.